The following is an entry in ClinVar:

NM_001083926.2(ASRGL1):c.280G>T (p.Ala94Ser)

Gene: ASRGL1 (asparaginase and isoaspartyl peptidase 1; plus strand). Cytogenetic location: 11q12.3.
Variant type: single nucleotide variant.
Coding change: c.280G>T on transcript NM_001083926.2 (MANE Select); coding-DNA position 280, G replaced by T.
Protein change: p.Ala94Ser; replaces alanine 94 with serine.
Molecular consequence: missense variant.
Genome position (GRCh38, 1-based): chr11:62,356,414, G>T. VCF-style: chr11-62356414-G-T. GRCh37 (hg19) VCF-style: chr11-62123886-G-T.
Other names: c.280G>T, p.Ala94Ser (NM_025080.4); short protein forms A94S.
Identifiers: ClinVar variation 1057756 (VCV001057756.7), dbSNP rs201870863, ClinGen allele CA6043140.
Genomic context (GRCh38, chr11:62,356,414, plus strand): 5'-GAGGTTGAAATGGATGCTAGTATCATGGATGGAAAAGACCTGTCTGCAGGAGCAGTGTCC[G>T]CAGTCCAGTGTATAGCAAATCCCATTAAACTTGCTCGGCTTGTCATGGAAAAGGTATATG-3'
Protein context (NP_001077395.1, residues 84-104): GKDLSAGAVS[Ala94Ser]VQCIANPIKL

ClinVar aggregate classification (germline): Uncertain significance (1 of 4 stars; one submission).

Allele frequency attached by ClinVar (database versions not stated): 1000 Genomes Project 0.00060; 1000 Genomes Project 30x 0.00062.
gnomAD v4.1: 390 of 1,614,196 alleles (0.024%); highest among the groups gnomAD compares: South Asian, 0.23%; 2 homozygotes.

Submission:

Labcorp Genetics (formerly Invitae), Labcorp
Classification: Uncertain significance. Last evaluated: 2025-08-03. Review status: criteria provided, single submitter. Criteria: Invitae Variant Classification Sherloc (09022015). Collection method: clinical testing. Allele origin: germline.
Comment: This sequence change replaces alanine, which is neutral and non-polar, with serine, which is neutral and polar, at codon 94 of the ASRGL1 protein (p.Ala94Ser). This variant is present in population databases (rs201870863, gnomAD 0.2%), and has an allele count higher than expected for a pathogenic variant. This variant has not been reported in the literature in individuals affected with ASRGL1-related conditions. ClinVar contains an entry for this variant (Variation ID: 1057756). An algorithm developed to predict the effect of missense changes on protein structure and function outputs the following: PolyPhen-2: "Benign". The serine amino acid residue is found in multiple mammalian species, which suggests that this missense change does not adversely affect protein function. In summary, the available evidence is currently insufficient to determine the role of this variant in disease. Therefore, it has been classified as a Variant of Uncertain Significance.